The following is an entry in ClinVar:

NM_004360.5(CDH1):c.2534T>G (p.Leu845Arg)

Gene: CDH1 (cadherin 1; plus strand). Cytogenetic location: 16q22.1.
Variant type: single nucleotide variant.
Coding change: c.2534T>G on transcript NM_004360.5 (MANE Select); coding-DNA position 2534, T replaced by G.
Protein change: p.Leu845Arg; replaces leucine 845 with arginine.
Molecular consequence: missense variant.
Genome position (GRCh38, 1-based): chr16:68,833,384, T>G. VCF-style: chr16-68833384-T-G. GRCh37 (hg19) VCF-style: chr16-68867287-T-G.
Other names: c.2351T>G, p.Leu784Arg (NM_001317184.2); c.986T>G, p.Leu329Arg (NM_001317185.2); c.569T>G, p.Leu190Arg (NM_001317186.2); short protein forms L329R, L784R, L190R, L845R.
Identifiers: ClinVar variation 1792747 (VCV001792747.2), dbSNP rs2152144014, ClinGen allele CA396472339.

ClinVar aggregate classification (germline): Uncertain significance (1 of 4 stars; one submission).

Conditions:
Hereditary cancer-predisposing syndrome. Also called: Tumor predisposition; Hereditary Cancer Syndrome; Neoplastic Syndromes, Hereditary; Hereditary neoplastic syndrome. Identifiers: Orphanet 140162, MedGen C0027672, MeSH D009386, MONDO:0015356.

Submission:

Ambry Genetics
Classification: Uncertain significance for Hereditary cancer-predisposing syndrome. Last evaluated: 2021-09-17. Review status: criteria provided, single submitter. Criteria: Ambry Variant Classification Scheme 2023. Collection method: clinical testing. Allele origin: germline.
Comment: The p.L845R variant (also known as c.2534T>G), located in coding exon 16 of the CDH1 gene, results from a T to G substitution at nucleotide position 2534. The leucine at codon 845 is replaced by arginine, an amino acid with dissimilar properties. This amino acid position is well conserved in available vertebrate species. In addition, this alteration is predicted to be deleterious by in silico analysis. Since supporting evidence is limited at this time, the clinical significance of this alteration remains unclear.